The following is an entry in ClinVar:

ClinVar aggregate classification (germline): Likely benign (1 of 4 stars; one submission).

gnomAD v4.1: 21 of 1,612,564 alleles (0.0013%); highest among the groups gnomAD compares: Non-Finnish European, 0.0015%; no homozygotes.

Submission:

Women's Health and Genetics/Laboratory Corporation of America, LabCorp
Classification: Likely benign. Last evaluated: 2025-11-24. Review status: criteria provided, single submitter. Criteria: LabCorp Variant Classification Summary - May 2015. Collection method: clinical testing. Allele origin: germline.
Comment: Variant summary: TNXB c.6294G>C alters a conserved nucleotide resulting in a synonymous change. Consensus agreement among computation tools predict no significant impact on normal splicing. However, these predictions have yet to be confirmed by functional studies. The variant allele was found at a frequency of 2e-05 in 245780 control chromosomes. The available data on variant occurrences in the general population are insufficient to allow any conclusion about variant significance. To our knowledge, no occurrence of c.6294G>C in individuals affected with TNXB-related conditions and no experimental evidence demonstrating its impact on protein function have been reported. No submitters have cited clinical-significance assessments for this variant to ClinVar. Based on the evidence outlined above, the variant was classified as likely benign.

NM_001365276.2(TNXB):c.6294G>C (p.Leu2098=)

Gene: TNXB (tenascin XB; minus strand). Cytogenetic location: 6p21.33.
Variant type: single nucleotide variant.
Coding change: c.6294G>C on transcript NM_001365276.2 (MANE Select); coding-DNA position 6294, G replaced by C.
Protein change: p.Leu2098=; no amino-acid change (leucine 2098 retained).
Molecular consequence: synonymous variant.
Genome position (GRCh38, 1-based): chr6:32,067,911, C>G on the plus strand (G>C on the coding strand, the complement: TNXB is on the minus strand). VCF-style: chr6-32067911-C-G. GRCh37 (hg19) VCF-style: chr6-32035688-C-G.
Other names: c.7035G>C, p.Leu2345= (NM_001428335.1); c.6294G>C, p.Leu2098= (NM_019105.8).
Identifiers: ClinVar variation 4537241 (VCV004537241.1).